The following is an entry in ClinVar:

NM_001278116.2(L1CAM):c.1378T>C (p.Trp460Arg)

Gene: L1CAM (L1 cell adhesion molecule; minus strand). Cytogenetic location: Xq28.
Variant type: single nucleotide variant.
Coding change: c.1378T>C on transcript NM_001278116.2 (MANE Select); coding-DNA position 1378, T replaced by C.
Protein change: p.Trp460Arg; replaces tryptophan 460 with arginine.
Molecular consequence: missense variant.
Genome position (GRCh38, 1-based): chrX:153,868,842, A>G on the plus strand (T>C on the coding strand, the complement: L1CAM is on the minus strand). VCF-style: chrX-153868842-A-G. GRCh37 (hg19) VCF-style: chrX-153134297-A-G.
Other names: c.1378T>C, p.Trp460Arg (NM_000425.5, NM_024003.3); c.1363T>C, p.Trp455Arg (NM_001143963.2); short protein forms W455R, W460R.
Identifiers: ClinVar variation 4088160 (VCV004088160.1).

ClinVar aggregate classification (germline): Uncertain significance (1 of 4 stars; one submission).

Submission:

GeneDx
Classification: Uncertain significance. Last evaluated: 2025-03-19. Review status: criteria provided, single submitter. Criteria: GeneDx Variant Classification Process June 2021. Collection method: clinical testing. Allele origin: germline. Affected: yes.
Comment: Has not been previously published as pathogenic or benign to our knowledge; Not observed at significant frequency in large population cohorts (gnomAD); In silico analysis supports that this missense variant has a deleterious effect on protein structure/function